The following is an entry in ClinVar:

NM_170606.3(KMT2C):c.14101C>T (p.Leu4701Phe)

Gene: KMT2C (lysine methyltransferase 2C; minus strand). Cytogenetic location: 7q36.1.
Variant type: single nucleotide variant.
Coding change: c.14101C>T on transcript NM_170606.3 (MANE Select); coding-DNA position 14101, C replaced by T.
Protein change: p.Leu4701Phe; replaces leucine 4701 with phenylalanine.
Molecular consequence: missense variant.
Genome position (GRCh38, 1-based): chr7:152,145,226, G>A on the plus strand (C>T on the coding strand, the complement: KMT2C is on the minus strand). VCF-style: chr7-152145226-G-A. GRCh37 (hg19) VCF-style: chr7-151842311-G-A.
Other names: short protein forms L4701F.
Identifiers: ClinVar variation 1696029 (VCV001696029.1), dbSNP rs772587003, ClinGen allele CA169218495.
Genomic context (GRCh38, chr7:152,145,226, plus strand): 5'-TCTTGACATGGGCACTCATTTTAGGTTCAGAACGGGCACAACCTGTGGGGTTAACGGCAA[G>A]AGGAAGTTCCATGAGAGGATTTCGGCCGTATCGGAAGGTATAATTTTCACATGCCTCAAC-3'
Protein context (NP_733751.2, residues 4691-4711): YGRNPLMELP[Leu4701Phe]AVNPTGCARS

ClinVar aggregate classification (germline): Uncertain significance (1 of 4 stars; one submission).

Allele frequency attached by ClinVar (database versions not stated): gnomAD exomes below 0.00001 and 0.00001; TOPMed below 0.00001.
gnomAD v4.1: 7 of 1,614,164 alleles (0.00043%); highest among the groups gnomAD compares: Admixed American, 0.0033%; no homozygotes.

Submission:

Women's Health and Genetics/Laboratory Corporation of America, LabCorp
Classification: Uncertain significance. Last evaluated: 2022-05-13. Review status: criteria provided, single submitter. Criteria: LabCorp Variant Classification Summary - May 2015. Collection method: clinical testing. Allele origin: germline.
Comment: Variant summary: KMT2C c.14101C>T (p.Leu4701Phe) results in a non-conservative amino acid change in the encoded protein sequence. Four of five in-silico tools predict a damaging effect of the variant on protein function. The variant allele was found at a frequency of 8e-06 in 251456 control chromosomes. The available data on variant occurrences in the general population are insufficient to allow any conclusion about variant significance. To our knowledge, no occurrence of c.14101C>T in individuals affected with Kleefstra Syndrome 2 and no experimental evidence demonstrating its impact on protein function have been reported. No clinical diagnostic laboratories have submitted clinical-significance assessments for this variant to ClinVar after 2014. Based on the evidence outlined above, the variant was classified as uncertain significance.